The following is an entry in ClinVar:

NM_001048174.2(MUTYH):c.1441A>G (p.Lys481Glu)

Gene: MUTYH (mutY DNA glycosylase; minus strand). Cytogenetic location: 1p34.1.
Variant type: single nucleotide variant.
Coding change: c.1441A>G on transcript NM_001048174.2 (MANE Select); coding-DNA position 1441, A replaced by G.
Protein change: p.Lys481Glu; replaces lysine 481 with glutamic acid.
Molecular consequence: missense variant. On other transcripts: non-coding transcript variant (2).
Genome position (GRCh38, 1-based): chr1:45,329,431, T>C on the plus strand (A>G on the coding strand, the complement: MUTYH is on the minus strand). VCF-style: chr1-45329431-T-C. GRCh37 (hg19) VCF-style: chr1-45795103-T-C.
Other names: c.1441A>G, p.Lys481Glu (NM_001048171.2, NM_001048173.2, NM_001293195.2); c.1444A>G, p.Lys482Glu (NM_001048172.2); c.1525A>G, p.Lys509Glu (NM_001128425.2); c.1486A>G, p.Lys496Glu (NM_001293190.2); c.1474A>G, p.Lys492Glu (NM_001293191.2); c.1165A>G, p.Lys389Glu (NM_001293192.2, NM_001293196.2); c.1096A>G, p.Lys366Glu (NM_001350650.2, NM_001350651.2); c.1516A>G, p.Lys506Glu (NM_012222.3); short protein forms K366E, K496E, K509E, K492E, K506E, K389E, K481E, K482E.
Identifiers: ClinVar variation 836484 (VCV000836484.15), dbSNP rs563885946, ClinGen allele CA340131950.

ClinVar aggregate classification (germline): Conflicting classifications of pathogenicity. Review status: criteria provided, conflicting classifications (1 of 4 stars). 3 submissions from 3 submitters: Uncertain significance (2); Likely benign (1). Last evaluated 2025-09-08.

Conditions:
Hereditary cancer-predisposing syndrome. Also called: Tumor predisposition; Hereditary Cancer Syndrome; Hereditary neoplastic syndrome; Neoplastic Syndromes, Hereditary. Identifiers: Orphanet 140162, MedGen C0027672, MeSH D009386, MONDO:0015356.
Familial adenomatous polyposis 2. Also called: FAP type 2; MUTYH Polyposis; COLORECTAL ADENOMATOUS POLYPOSIS, AUTOSOMAL RECESSIVE; ADENOMAS, MULTIPLE COLORECTAL, AUTOSOMAL RECESSIVE; MUTYH-associated polyposis; MUTYH-related attenuated familial adenomatous polyposis. Identifiers: Orphanet 220460, Orphanet 247798, MedGen C3272841, MONDO:0012041, OMIM 608456.

Submissions (3):

Ambry Genetics
Classification: Likely benign for Hereditary cancer-predisposing syndrome. Last evaluated: 2025-09-08. Review status: criteria provided, single submitter. Criteria: Ambry Variant Classification Scheme 2023. Collection method: clinical testing. Allele origin: germline.

Labcorp Genetics (formerly Invitae), Labcorp
Classification: Uncertain significance for Familial adenomatous polyposis 2. Last evaluated: 2024-08-19. Review status: criteria provided, single submitter. Criteria: Invitae Variant Classification Sherloc (09022015). Collection method: clinical testing. Allele origin: germline.
Comment: This sequence change replaces lysine, which is basic and polar, with glutamic acid, which is acidic and polar, at codon 509 of the MUTYH protein (p.Lys509Glu). This variant is not present in population databases (gnomAD no frequency). This variant has not been reported in the literature in individuals affected with MUTYH-related conditions. ClinVar contains an entry for this variant (Variation ID: 836484). An algorithm developed to predict the effect of missense changes on protein structure and function (PolyPhen-2) suggests that this variant is likely to be disruptive. In summary, the available evidence is currently insufficient to determine the role of this variant in disease. Therefore, it has been classified as a Variant of Uncertain Significance.

Color Diagnostics, LLC DBA Color Health
Classification: Uncertain significance for Hereditary cancer-predisposing syndrome. Last evaluated: 2024-03-06. Review status: criteria provided, single submitter. Criteria: ACMG Guidelines, 2015. Collection method: clinical testing. Allele origin: germline.
Comment: This missense variant replaces lysine with glutamic acid at codon 509 of the MUTYH protein. Computational prediction suggests that this variant may not impact protein structure and function (internally defined REVEL score threshold <= 0.5, PMID: 27666373). Splice site prediction tools suggest that this variant may not impact RNA splicing. To our knowledge, functional studies have not been performed for this variant. This variant has not been reported in individuals affected with hereditary cancer in the literature. This variant has not been identified in the general population by the Genome Aggregation Database (gnomAD). The available evidence is insufficient to determine the role of this variant in disease conclusively. Therefore, this variant is classified as a Variant of Uncertain Significance.